The following is an entry in ClinVar:

NM_004360.5(CDH1):c.9T>C (p.Pro3=)

Gene: CDH1 (cadherin 1; plus strand). Cytogenetic location: 16q22.1.
Variant type: single nucleotide variant.
Coding change: c.9T>C on transcript NM_004360.5 (MANE Select); coding-DNA position 9, T replaced by C.
Protein change: p.Pro3=; no amino-acid change (proline 3 retained).
Molecular consequence: synonymous variant. On other transcripts: 5 prime UTR variant (2).
Genome position (GRCh38, 1-based): chr16:68,737,424, T>C. VCF-style: chr16-68737424-T-C. GRCh37 (hg19) VCF-style: chr16-68771327-T-C.
Other names: c.9T>C (LRG_301t1); c.-1607T>C (NM_001317185.2); c.-1811T>C (NM_001317186.2); c.9T>C, p.Pro3= (NM_001317184.2).
Identifiers: ClinVar variation 463799 (VCV000463799.13), dbSNP rs935070259, ClinGen allele CA283273407.

ClinVar aggregate classification (germline): Benign/Likely benign. Review status: criteria provided, multiple submitters, no conflicts (2 of 4 stars). 3 submissions from 3 submitters: Benign (1); Likely benign (2). Last evaluated 2025-08-13.

Conditions:
Hereditary cancer-predisposing syndrome. Also called: Hereditary neoplastic syndrome; Neoplastic Syndromes, Hereditary; Tumor predisposition; Hereditary Cancer Syndrome. Identifiers: Orphanet 140162, MedGen C0027672, MeSH D009386, MONDO:0015356.
Hereditary diffuse gastric adenocarcinoma (HDGC). Also called: DIFFUSE GASTRIC AND LOBULAR BREAST CANCER SYNDROME. Identifiers: Orphanet 26106, MedGen C1708349, MONDO:0007648, OMIM 137215.

Allele frequency attached by ClinVar (database versions not stated): gnomAD exomes below 0.00001; TOPMed below 0.00001; gnomAD 0.00001.
gnomAD v4.1: 3 of 1,534,030 alleles (0.0002%); highest among the groups gnomAD compares: Admixed American, 0.002%; no homozygotes.

Submissions (3):

Labcorp Genetics (formerly Invitae), Labcorp
Classification: Likely benign for Hereditary diffuse gastric adenocarcinoma. Last evaluated: 2025-08-13. Review status: criteria provided, single submitter. Criteria: Invitae Variant Classification Sherloc (09022015). Collection method: clinical testing. Allele origin: germline.

Myriad Genetics, Inc.
Classification: Benign for Hereditary diffuse gastric adenocarcinoma. Last evaluated: 2024-09-10. Review status: criteria provided, single submitter. Criteria: Myriad Autosomal Dominant, Autosomal Recessive and X-Linked Classification Criteria (2023). Collection method: clinical testing. Allele origin: unknown.
Comment: This variant is considered benign. This variant is a silent/synonymous amino acid change and it is not expected to impact splicing.

Ambry Genetics
Classification: Likely benign for Hereditary cancer-predisposing syndrome. Last evaluated: 2022-07-15. Review status: criteria provided, single submitter. Criteria: Ambry Variant Classification Scheme 2023. Collection method: clinical testing. Allele origin: germline.